The following is an entry in ClinVar:

ClinVar aggregate classification (germline): Pathogenic. Review status: criteria provided, multiple submitters, no conflicts (2 of 4 stars). 3 submissions from 3 submitters: Pathogenic (3). Last evaluated 2024-01-01.

Conditions:
TJP2-related disorder. Also called: TJP2-related condition.
Cholestasis, progressive familial intrahepatic, 4. Identifiers: Orphanet 480483, Orphanet 79304, MedGen C2931067, MONDO:0014381, OMIM 615878.

Allele frequency attached by ClinVar (database versions not stated): gnomAD exomes below 0.00001 and 0.00001; ExAC 0.00002.

Submissions (3):

Daryl Scott Lab, Baylor College of Medicine
Classification: Pathogenic for TJP2-related disorder. Last evaluated: 2024-01-01. Review status: criteria provided, single submitter. Criteria: ACMG Guidelines, 2015. Collection method: clinical testing. Allele origin: biparental. Affected: yes. Observed: 1 homozygote.
Comment: PVS1, PM2

Rolfs Rare Disease Consulting, Rolfs Consulting Und Verwaltungs GmbH
Classification: Pathogenic for Cholestasis, progressive familial intrahepatic, 4. Last evaluated: 2020-01-01. Review status: criteria provided, single submitter. Criteria: ACMG Guidelines, 2015. Collection method: clinical testing. Allele origin: germline. Affected: yes.

Eurofins Ntd Llc (ga)
Classification: Pathogenic. Last evaluated: 2016-12-12. Review status: criteria provided, single submitter. Criteria: EGL Classification Definitions 2015. Collection method: clinical testing. Allele origin: germline. Observed: 1 variant allele, 1 homozygote.

NM_004817.4(TJP2):c.782del (p.Tyr261fs)

Gene: TJP2 (tight junction protein 2; plus strand). Cytogenetic location: 9q21.11.
Variant type: Deletion.
Coding change: c.782del on transcript NM_004817.4 (MANE Select); coding-DNA position 782, one base deleted (A; older notation c.782delA).
Protein change: p.Tyr261fs; shifts the reading frame from tyrosine 261.
Molecular consequence: frameshift variant.
Genome position (GRCh38, 1-based): chr9:69,221,326, A deleted. VCF-style (leftmost placement, unchanged base first): chr9-69221325-TA-T. GRCh37 (hg19) VCF-style: chr9-71836241-TA-T.
Other names: c.782del, p.Tyr261fs (LRG_1201t1, NM_001369872.1, NM_001369873.1 and 1 more transcripts); c.713del, p.Tyr238fs (NM_001170414.2, NM_001369870.1, NM_001369871.1); c.794del, p.Tyr265fs (NM_001170415.1, NM_001369874.1, NM_001369875.1); c.875del, p.Tyr292fs (NM_001170416.2); c.875del (NM_001170416.1); short protein forms Y238fs, Y261fs, Y265fs, Y292fs.
Identifiers: ClinVar variation 499233 (VCV000499233.7), dbSNP rs771690686, ClinGen allele CA5073097.